The following is an entry in ClinVar:

NM_005612.5(REST):c.1008G>C (p.Gln336His)

Gene: REST (RE1 silencing transcription factor; plus strand). Cytogenetic location: 4q12.
Variant type: single nucleotide variant.
Coding change: c.1008G>C on transcript NM_005612.5 (MANE Select); coding-DNA position 1008, G replaced by C.
Protein change: p.Gln336His; replaces glutamine 336 with histidine.
Molecular consequence: missense variant.
Genome position (GRCh38, 1-based): chr4:56,929,866, G>C. VCF-style: chr4-56929866-G-C. GRCh37 (hg19) VCF-style: chr4-57796032-G-C.
Other names: c.1008G>C, p.Gln336His (NM_001193508.2, NM_001363453.3); short protein forms Q336H.
Identifiers: ClinVar variation 3681817 (VCV003681817.2).

ClinVar aggregate classification (germline): Uncertain significance (1 of 4 stars; one submission).

gnomAD v4.1: 1 of 1,613,672 alleles (0.000062%); highest among the groups gnomAD compares: East Asian, 0.0022%; no homozygotes.

Submission:

Labcorp Genetics (formerly Invitae), Labcorp
Classification: Uncertain significance. Last evaluated: 2024-03-29. Review status: criteria provided, single submitter. Criteria: Invitae Variant Classification Sherloc (09022015). Collection method: clinical testing. Allele origin: germline.
Comment: This sequence change replaces glutamine, which is neutral and polar, with histidine, which is basic and polar, at codon 336 of the REST protein (p.Gln336His). This variant is not present in population databases (gnomAD no frequency). This variant has not been reported in the literature in individuals affected with REST-related conditions. An algorithm developed to predict the effect of missense changes on protein structure and function (PolyPhen-2) suggests that this variant is likely to be disruptive. In summary, the available evidence is currently insufficient to determine the role of this variant in disease. Therefore, it has been classified as a Variant of Uncertain Significance.